The following is an entry in ClinVar:

NM_001134363.3(RBM20):c.2312A>G (p.Tyr771Cys)

Gene: RBM20 (RNA binding motif protein 20; plus strand). Cytogenetic location: 10q25.2.
Variant type: single nucleotide variant.
Coding change: c.2312A>G on transcript NM_001134363.3 (MANE Select); coding-DNA position 2312, A replaced by G.
Protein change: p.Tyr771Cys; replaces tyrosine 771 with cysteine.
Molecular consequence: missense variant.
Genome position (GRCh38, 1-based): chr10:110,812,709, A>G. VCF-style: chr10-110812709-A-G. GRCh37 (hg19) VCF-style: chr10-112572467-A-G.
Other names: short protein forms Y771C.
Identifiers: ClinVar variation 1423869 (VCV001423869.8), dbSNP rs2135105617, ClinGen allele CA378373293.
Genomic context (GRCh38, chr10:110,812,709, plus strand): 5'-GCTACAAAAGCCGTGAAGACGGCTACTACCGGAAAGAGCCCAAAGCCAAGTCGGACAAGT[A>G]TCTGAAGCAGCAGCAGGATGCCCCCGGGAGGTCCAGGAGGAAAGACGAGGCCAGGCTGCG-3'
Protein context (NP_001127835.2, residues 761-781): RKEPKAKSDK[Tyr771Cys]LKQQQDAPGR

ClinVar aggregate classification (germline): Uncertain significance (1 of 4 stars; one submission).

Conditions:
Dilated cardiomyopathy 1DD (CMD1DD). Identifiers: Orphanet 154, MedGen C2750995, MONDO:0013168, OMIM 613172.

Allele frequency attached by ClinVar (database versions not stated): gnomAD exomes below 0.00001.
gnomAD v4.1: 1 of 1,551,736 alleles (0.000064%); highest among the groups gnomAD compares: Non-Finnish European, 0.000087%; no homozygotes.

Submission:

Labcorp Genetics (formerly Invitae), Labcorp
Classification: Uncertain significance for Dilated cardiomyopathy 1DD. Last evaluated: 2021-05-13. Review status: criteria provided, single submitter. Criteria: Invitae Variant Classification Sherloc (09022015). Collection method: clinical testing. Allele origin: germline.
Comment: This sequence change replaces tyrosine with cysteine at codon 771 of the RBM20 protein (p.Tyr771Cys). The tyrosine residue is moderately conserved and there is a large physicochemical difference between tyrosine and cysteine. This variant is not present in population databases (ExAC no frequency). This variant has not been reported in the literature in individuals with RBM20-related conditions. Advanced modeling of protein sequence and biophysical properties (such as structural, functional, and spatial information, amino acid conservation, physicochemical variation, residue mobility, and thermodynamic stability) performed at Invitae indicates that this missense variant is not expected to disrupt RBM20 protein function. In summary, the available evidence is currently insufficient to determine the role of this variant in disease. Therefore, it has been classified as a Variant of Uncertain Significance.